The following is an entry in ClinVar:

ClinVar aggregate classification (germline): Pathogenic (1 of 4 stars; one submission).

Conditions:
Pyruvate carboxylase deficiency. Also called: PC DEFICIENCY; Pyruvate Carboxylase Deficiency Disease; ATAXIA WITH LACTIC ACIDOSIS II; LEIGH NECROTIZING ENCEPHALOPATHY DUE TO PYRUVATE CARBOXYLASE DEFICIENCY; LEIGH SYNDROME DUE TO PYRUVATE CARBOXYLASE DEFICIENCY. Identifiers: Orphanet 3008, MedGen C0034341, MONDO:0009949, OMIM 266150.

Submission:

Labcorp Genetics (formerly Invitae), Labcorp
Classification: Pathogenic for Pyruvate carboxylase deficiency. Last evaluated: 2023-11-01. Review status: criteria provided, single submitter. Criteria: Invitae Variant Classification Sherloc (09022015). Collection method: clinical testing. Allele origin: germline.
Comment: This sequence change creates a premature translational stop signal (p.Thr1035Ilefs*32) in the PC gene. It is expected to result in an absent or disrupted protein product. Loss-of-function variants in PC are known to be pathogenic (PMID: 12112657, 19306334). This variant is not present in population databases (gnomAD no frequency). This variant has not been reported in the literature in individuals affected with PC-related conditions. For these reasons, this variant has been classified as Pathogenic.

Literature cited by the submitters: PubMed 12112657; PubMed 19306334.

NM_001040716.2(PC):c.3102_3103dup (p.Thr1035fs)

Gene: PC (pyruvate carboxylase; minus strand). Cytogenetic location: 11q13.2.
Variant type: Duplication.
Coding change: c.3102_3103dup on transcript NM_001040716.2 (MANE Select); coding-DNA positions 3102 to 3103, 2 bases duplicated (TA; older notation c.3102_3103dupTA).
Protein change: p.Thr1035fs; shifts the reading frame from threonine 1035.
Molecular consequence: frameshift variant.
Genome position (GRCh38, 1-based): chr11:66,849,655-66,849,656, TA duplicated on the plus strand (TA on the coding strand, the reverse complement: PC is on the minus strand); duplicating any 2 consecutive bases within chr11:66,849,655-66,849,657 gives the same sequence; the c. name uses the placement nearest the transcript's 3' end. VCF-style (leftmost placement, unchanged base first): chr11-66849654-G-GTA. GRCh37 (hg19) VCF-style: chr11-66617125-G-GTA.
Other names: c.3102_3103dup, p.Thr1035fs (NM_000920.4, NM_022172.3); short protein forms T1035fs.
Identifiers: ClinVar variation 2773205 (VCV002773205.3), dbSNP rs2495400851, ClinGen allele CA2697548749.